The following is an entry in ClinVar:

NM_006031.6(PCNT):c.8955C>T (p.Ala2985=)

Gene: PCNT (pericentrin; plus strand). Cytogenetic location: 21q22.3.
Variant type: single nucleotide variant.
Coding change: c.8955C>T on transcript NM_006031.6 (MANE Select); coding-DNA position 8955, C replaced by T.
Protein change: p.Ala2985=; no amino-acid change (alanine 2985 retained).
Molecular consequence: synonymous variant.
Genome position (GRCh38, 1-based): chr21:46,436,107, C>T. VCF-style: chr21-46436107-C-T. GRCh37 (hg19) VCF-style: chr21-47856020-C-T.
Other names: c.8364C>T, p.Ala2788= (NM_001315529.2).
Identifiers: ClinVar variation 728280 (VCV000728280.12), dbSNP rs368445228, ClinGen allele CA10081132.

ClinVar aggregate classification (germline): Likely benign. Review status: criteria provided, multiple submitters, no conflicts (2 of 4 stars). 3 submissions from 3 submitters: Likely benign (2). 1 of the submissions does not count toward it. Last evaluated 2024-10-08.

Conditions:
PCNT-related disorder. Also called: PCNT-related condition.

Allele frequency attached by ClinVar (database versions not stated): ExAC 0.00003; gnomAD 0.00007; TOPMed 0.00007; ESP Exome Variant Server 0.00023.
gnomAD v4.1: 68 of 1,610,472 alleles (0.0042%); highest among the groups gnomAD compares: Non-Finnish European, 0.005%; no homozygotes.

Submissions (3):

Blueprint Genetics
Classification: Likely benign. Last evaluated: 2024-10-08. Review status: criteria provided, single submitter. Criteria: ACMG Guidelines, 2015. Collection method: clinical testing. Allele origin: germline.

Labcorp Genetics (formerly Invitae), Labcorp
Classification: Likely benign. Last evaluated: 2024-06-21. Review status: criteria provided, single submitter. Criteria: Invitae Variant Classification Sherloc (09022015). Collection method: clinical testing. Allele origin: germline.

PreventionGenetics, part of Exact Sciences
Classification: Likely benign for PCNT-related condition. Last evaluated: 2019-07-30. Review status: no assertion criteria provided. Collection method: clinical testing. Allele origin: germline. Not counted in ClinVar's aggregate classification.
Comment: This variant is classified as likely benign based on ACMG/AMP sequence variant interpretation guidelines (Richards et al. 2015 PMID: 25741868, with internal and published modifications).